The following is an entry in ClinVar:

NM_001105206.3(LAMA4):c.2676del (p.Glu893fs)

Genes: LAMA4 (laminin subunit alpha 4; minus strand), LOC126859766 (MED14-independent group 3 enhancer GRCh37_chr6:112462018-112463217; plus strand). Cytogenetic location: 6q21.
Variant type: Deletion.
Coding change: c.2676del on transcript NM_001105206.3 (MANE Select); coding-DNA position 2676, one base deleted (A; older notation c.2676delA).
Protein change: p.Glu893fs; shifts the reading frame from glutamic acid 893.
Molecular consequence: frameshift variant.
Genome position (GRCh38, 1-based): chr6:112,141,495, T deleted on the plus strand (A on the coding strand, the reverse complement: LAMA4 is on the minus strand); the first of 6 consecutive T bases (chr6:112,141,495-112,141,500); deleting any one gives the same sequence. VCF-style (leftmost placement, unchanged base first): chr6-112141494-CT-C. GRCh37 (hg19) VCF-style: chr6-112462696-CT-C.
Other names: c.2655del, p.Glu886fs (NM_001105207.3, NM_002290.5); short protein forms E886fs, E893fs.
Identifiers: ClinVar variation 2882805 (VCV002882805.3), dbSNP rs1562653756, ClinGen allele CA645560325.

ClinVar aggregate classification (germline): Uncertain significance (1 of 4 stars; one submission).

Conditions:
Dilated cardiomyopathy 1JJ (CMD1JJ). Identifiers: Orphanet 154, MedGen C3808935, MONDO:0014095, OMIM 615235.

Submission:

Labcorp Genetics (formerly Invitae), Labcorp
Classification: Uncertain significance for Dilated cardiomyopathy 1JJ. Last evaluated: 2023-12-13. Review status: criteria provided, single submitter. Criteria: Invitae Variant Classification Sherloc (09022015). Collection method: clinical testing. Allele origin: germline.
Comment: This sequence change creates a premature translational stop signal (p.Glu886Serfs*55) in the LAMA4 gene. It is expected to result in an absent or disrupted protein product. However, the current clinical and genetic evidence is not sufficient to establish whether loss-of-function variants in LAMA4 cause disease. This variant is not present in population databases (gnomAD no frequency). This variant has not been reported in the literature in individuals affected with LAMA4-related conditions. In summary, the available evidence is currently insufficient to determine the role of this variant in disease. Therefore, it has been classified as a Variant of Uncertain Significance.